The following is an entry in ClinVar:

NM_001377295.2(GNAT2):c.235C>T (p.Gln79Ter)

Gene: GNAT2 (G protein subunit alpha transducin 2; minus strand). Cytogenetic location: 1p13.3.
Variant type: single nucleotide variant.
Coding change: c.235C>T on transcript NM_001377295.2 (MANE Select); coding-DNA position 235, C replaced by T.
Protein change: p.Gln79Ter; replaces glutamine 79 with a stop codon.
Molecular consequence: nonsense.
Genome position (GRCh38, 1-based): chr1:109,610,108, G>A on the plus strand (C>T on the coding strand, the complement: GNAT2 is on the minus strand). VCF-style: chr1-109610108-G-A. GRCh37 (hg19) VCF-style: chr1-110152730-G-A.
Other names: c.235C>T, p.Gln79Ter (NM_001379232.1, NM_005272.5); short protein forms Q79*.
Identifiers: ClinVar variation 15922 (VCV000015922.9), dbSNP rs121434585, ClinGen allele CA257403.

ClinVar aggregate classification (germline): Pathogenic. Review status: criteria provided, single submitter (1 of 4 stars). 3 submissions from 3 submitters: Pathogenic (1). 2 of the submissions do not count toward it. Last evaluated 2021-01-12.

Conditions:
Achromatopsia 4 (ACHM4). Identifiers: Orphanet 49382, MedGen C1841721, MONDO:0013465, OMIM 613856.

Submissions (3):

Labcorp Genetics (formerly Invitae), Labcorp
Classification: Pathogenic. Last evaluated: 2021-01-12. Review status: criteria provided, single submitter. Criteria: Invitae Variant Classification Sherloc (09022015). Collection method: clinical testing. Allele origin: germline.
Comment: For these reasons, this variant has been classified as Pathogenic. Loss-of-function variants in GNAT2 are known to be pathogenic (PMID: 12077706). This variant has been observed in individual(s) with achromatopsia (PMID: 12077706). ClinVar contains an entry for this variant (Variation ID: 15922). This variant is not present in population databases (ExAC no frequency). This sequence change creates a premature translational stop signal (p.Gln79*) in the GNAT2 gene. It is expected to result in an absent or disrupted protein product.

Molecular Genetics Laboratory, Institute for Ophthalmic Research
Classification: Pathogenic for Achromatopsia 4. Last evaluated: 2018-06-12. Review status: no assertion criteria provided. Collection method: research. Allele origin: germline. Affected: yes. Not counted in ClinVar's aggregate classification.

OMIM
Classification: Pathogenic for ACHROMATOPSIA 4. Last evaluated: 2002-08-01. Review status: no assertion criteria provided. Collection method: literature only. Allele origin: germline. Not counted in ClinVar's aggregate classification.

Literature cited by the submitters: PubMed 12077706 (cited by 3 submitters).